The following is an entry in ClinVar:

NM_001999.4(FBN2):c.5917+112A>G

Gene: FBN2 (fibrillin 2; minus strand). Cytogenetic location: 5q23.3.
Variant type: single nucleotide variant.
Coding change: c.5917+112A>G on transcript NM_001999.4 (MANE Select); 112 bases into the intron after coding-DNA position 5917, A replaced by G.
Molecular consequence: intron variant.
Genome position (GRCh38, 1-based): chr5:128,302,861, T>C on the plus strand (A>G on the coding strand, the complement: FBN2 is on the minus strand). VCF-style: chr5-128302861-T-C. GRCh37 (hg19) VCF-style: chr5-127638553-T-C.
Other names: NC_000005.9:g.127638553T>C.
Identifiers: ClinVar variation 673344 (VCV000673344.2), dbSNP rs28763937, ClinGen allele CA126981121.

ClinVar aggregate classification (germline): Benign (1 of 4 stars; one submission).

Allele frequency attached by ClinVar (database versions not stated): TOPMed 0.03668; 1000 Genomes Project 0.03694; 1000 Genomes Project 30x 0.03748; gnomAD 0.04334 and 0.04357; gnomAD exomes 0.05339.
gnomAD v4.1: 38,424 of 752,274 alleles (5.1%); highest among the groups gnomAD compares: East Asian, 6.9%; 1,217 homozygotes.

Submissions (11):

GeneDx
Classification: Benign. Last evaluated: 2018-06-14. Review status: criteria provided, single submitter. Criteria: GeneDx Variant Classification (06012015). Collection method: clinical testing. Allele origin: germline. Affected: yes.
Comment: This variant is considered likely benign or benign based on one or more of the following criteria: it is a conservative change, it occurs at a poorly conserved position in the protein, it is predicted to be benign by multiple in silico algorithms, and/or has population frequency not consistent with disease.

Dr. Peter K. Rogan Lab, Western University
No classification provided (evidence only). Condition: Acute myeloid leukemia. Review status: no classification provided. Collection method: in vitro. Allele origin: not applicable. Functional consequence: retained intron. Not counted in ClinVar's aggregate classification.

Dr. Peter K. Rogan Lab, Western University
No classification provided (evidence only). Condition: Acute myeloid leukemia. Review status: no classification provided. Collection method: in vitro. Allele origin: not applicable. Functional consequence: retained intron. Not counted in ClinVar's aggregate classification.

Dr. Peter K. Rogan Lab, Western University
No classification provided (evidence only). Condition: Acute myeloid leukemia. Review status: no classification provided. Collection method: in vitro. Allele origin: not applicable. Functional consequence: retained intron. Not counted in ClinVar's aggregate classification.

Dr. Peter K. Rogan Lab, Western University
No classification provided (evidence only). Condition: Acute myeloid leukemia. Review status: no classification provided. Collection method: in vitro. Allele origin: not applicable. Functional consequence: retained intron. Not counted in ClinVar's aggregate classification.

Dr. Peter K. Rogan Lab, Western University
No classification provided (evidence only). Condition: Thymoma. Review status: no classification provided. Collection method: in vitro. Allele origin: not applicable. Functional consequence: retained intron. Not counted in ClinVar's aggregate classification.

Dr. Peter K. Rogan Lab, Western University
No classification provided (evidence only). Condition: Thymoma. Review status: no classification provided. Collection method: in vitro. Allele origin: not applicable. Functional consequence: retained intron. Not counted in ClinVar's aggregate classification.

Dr. Peter K. Rogan Lab, Western University
No classification provided (evidence only). Condition: Ovarian serous cystadenocarcinoma. Review status: no classification provided. Collection method: in vitro. Allele origin: not applicable. Functional consequence: retained intron. Not counted in ClinVar's aggregate classification.

Dr. Peter K. Rogan Lab, Western University
No classification provided (evidence only). Condition: Gastric cancer. Review status: no classification provided. Collection method: in vitro. Allele origin: not applicable. Functional consequence: retained intron. Not counted in ClinVar's aggregate classification.

Dr. Peter K. Rogan Lab, Western University
No classification provided (evidence only). Condition: Uterine carcinosarcoma. Review status: no classification provided. Collection method: in vitro. Allele origin: not applicable. Functional consequence: retained intron. Not counted in ClinVar's aggregate classification.

Dr. Peter K. Rogan Lab, Western University
No classification provided (evidence only). Condition: Malignant tumor of esophagus. Review status: no classification provided. Collection method: in vitro. Allele origin: not applicable. Functional consequence: retained intron. Not counted in ClinVar's aggregate classification.